The following is an entry in ClinVar:

NM_015294.6(TRIM37):c.745C>G (p.Gln249Glu)

Gene: TRIM37 (tripartite motif containing 37; minus strand). Cytogenetic location: 17q22.
Variant type: single nucleotide variant.
Coding change: c.745C>G on transcript NM_015294.6 (MANE Select); coding-DNA position 745, C replaced by G.
Protein change: p.Gln249Glu; replaces glutamine 249 with glutamic acid.
Molecular consequence: missense variant. On other transcripts: non-coding transcript variant (2).
Genome position (GRCh38, 1-based): chr17:59,070,887, G>C on the plus strand (C>G on the coding strand, the complement: TRIM37 is on the minus strand). VCF-style: chr17-59070887-G-C. GRCh37 (hg19) VCF-style: chr17-57148248-G-C.
Other names: c.745C>G, p.Gln249Glu (NM_001005207.5, NM_001320988.3, NM_001320989.3 and 2 more transcripts); c.643C>G, p.Gln215Glu (NM_001320987.3, NM_001353082.2); c.379C>G, p.Gln127Glu (NM_001320990.3); c.10C>G, p.Gln4Glu (NM_001353083.2); c.283C>G, p.Gln95Glu (NM_001353085.2); short protein forms Q127E, Q215E, Q249E, Q4E, Q95E.
Identifiers: ClinVar variation 1716463 (VCV001716463.5), dbSNP rs386834005, ClinGen allele CA400407771.

ClinVar aggregate classification (germline): Uncertain significance (1 of 4 stars; one submission).

Submission:

Labcorp Genetics (formerly Invitae), Labcorp
Classification: Uncertain significance. Last evaluated: 2022-08-22. Review status: criteria provided, single submitter. Criteria: Invitae Variant Classification Sherloc (09022015). Collection method: clinical testing. Allele origin: germline.
Comment: This variant is not present in population databases (gnomAD no frequency). This sequence change replaces glutamine, which is neutral and polar, with glutamic acid, which is acidic and polar, at codon 249 of the TRIM37 protein (p.Gln249Glu). In summary, the available evidence is currently insufficient to determine the role of this variant in disease. Therefore, it has been classified as a Variant of Uncertain Significance. Algorithms developed to predict the effect of sequence changes on RNA splicing suggest that this variant may disrupt the consensus splice site. Algorithms developed to predict the effect of missense changes on protein structure and function are either unavailable or do not agree on the potential impact of this missense change (SIFT: "Not Available"; PolyPhen-2: "Benign"; Align-GVGD: "Not Available"). This variant has not been reported in the literature in individuals affected with TRIM37-related conditions.